The following is an entry in ClinVar:

ClinVar aggregate classification (germline): Uncertain significance (1 of 4 stars; one submission).

gnomAD v4.1: 5 of 1,614,158 alleles (0.00031%); highest among the groups gnomAD compares: East Asian, 0.0022%; no homozygotes.

Submission:

GeneDx
Classification: Uncertain significance. Last evaluated: 2025-01-21. Review status: criteria provided, single submitter. Criteria: GeneDx Variant Classification Process June 2021. Collection method: clinical testing. Allele origin: germline. Affected: yes.
Comment: Not observed at significant frequency in large population cohorts (gnomAD); In silico analysis indicates that this missense variant does not alter protein structure/function; Has not been previously published as pathogenic or benign to our knowledge

NM_001127671.2(LIFR):c.2939T>C (p.Met980Thr)

Gene: LIFR (LIF receptor subunit alpha; minus strand). Cytogenetic location: 5p13.1.
Variant type: single nucleotide variant.
Coding change: c.2939T>C on transcript NM_001127671.2 (MANE Select); coding-DNA position 2939, T replaced by C.
Protein change: p.Met980Thr; replaces methionine 980 with threonine.
Molecular consequence: missense variant.
Genome position (GRCh38, 1-based): chr5:38,481,950, A>G on the plus strand (T>C on the coding strand, the complement: LIFR is on the minus strand). VCF-style: chr5-38481950-A-G. GRCh37 (hg19) VCF-style: chr5-38482052-A-G.
Other names: c.2939T>C, p.Met980Thr (NM_001364297.2, NM_002310.6); c.2906T>C, p.Met969Thr (NM_001364298.2); short protein forms M969T, M980T.
Identifiers: ClinVar variation 4070756 (VCV004070756.1).